The following is an entry in ClinVar:

ClinVar aggregate classification (germline): Uncertain significance. Review status: criteria provided, multiple submitters, no conflicts (2 of 4 stars). 2 submissions from 2 submitters: Uncertain significance (2). Last evaluated 2025-07-13.

Allele frequency attached by ClinVar (database versions not stated): ExAC 0.00001; gnomAD exomes 0.00001; gnomAD 0.00005; TOPMed 0.00006; ESP Exome Variant Server 0.00017.
gnomAD v4.1: 21 of 1,605,952 alleles (0.0013%); highest among the groups gnomAD compares: Middle Eastern, 0.066%; no homozygotes.

Submissions (2):

Labcorp Genetics (formerly Invitae), Labcorp
Classification: Uncertain significance. Last evaluated: 2025-07-13. Review status: criteria provided, single submitter. Criteria: Invitae Variant Classification Sherloc (09022015). Collection method: clinical testing. Allele origin: germline.
Comment: This sequence change replaces isoleucine, which is neutral and non-polar, with valine, which is neutral and non-polar, at codon 81 of the NPAT protein (p.Ile81Val). This variant is present in population databases (rs374739227, gnomAD 0.02%). This variant has not been reported in the literature in individuals affected with NPAT-related conditions. ClinVar contains an entry for this variant (Variation ID: 2193120). An algorithm developed to predict the effect of missense changes on protein structure and function outputs the following: PolyPhen-2: "Benign". The valine amino acid residue is found in multiple mammalian species, which suggests that this missense change does not adversely affect protein function. In summary, the available evidence is currently insufficient to determine the role of this variant in disease. Therefore, it has been classified as a Variant of Uncertain Significance.

Ambry Genetics
Classification: Uncertain significance. Last evaluated: 2022-12-29. Review status: criteria provided, single submitter. Criteria: Ambry Variant Classification Scheme 2023. Collection method: clinical testing. Allele origin: germline.
Comment: The p.I81V variant (also known as c.241A>G), located in coding exon 4 of the NPAT gene, results from an A to G substitution at nucleotide position 241. The isoleucine at codon 81 is replaced by valine, an amino acid with highly similar properties. This amino acid position is conserved. In addition, this alteration is predicted to be tolerated by in silico analysis. Since supporting evidence is limited at this time, the clinical significance of this alteration remains unclear.

NM_002519.3(NPAT):c.241A>G (p.Ile81Val)

Gene: NPAT (nuclear protein, coactivator of histone transcription; minus strand). Cytogenetic location: 11q22.3.
Variant type: single nucleotide variant.
Coding change: c.241A>G on transcript NM_002519.3 (MANE Select); coding-DNA position 241, A replaced by G.
Protein change: p.Ile81Val; replaces isoleucine 81 with valine.
Molecular consequence: missense variant.
Genome position (GRCh38, 1-based): chr11:108,192,167, T>C on the plus strand (A>G on the coding strand, the complement: NPAT is on the minus strand). VCF-style: chr11-108192167-T-C. GRCh37 (hg19) VCF-style: chr11-108062894-T-C.
Other names: c.241A>G (NM_002519.2); c.241A>G, p.Ile81Val (NM_001321307.1); short protein forms I81V.
Identifiers: ClinVar variation 2193120 (VCV002193120.6), dbSNP rs374739227, ClinGen allele CA6264371.